The following is an entry in ClinVar:

ClinVar aggregate classification (germline): Pathogenic. Review status: criteria provided, multiple submitters, no conflicts (2 of 4 stars). 5 submissions from 5 submitters: Pathogenic (4). 1 of the submissions does not count toward it. Last evaluated 2024-10-07.

Conditions:
Stankiewicz-Isidor syndrome (STISS). Identifiers: MedGen C4479599, MONDO:0054591, OMIM 617516.

Submissions (5):

Revvity Omics, Revvity
Classification: Pathogenic for Stankiewicz-Isidor syndrome. Last evaluated: 2024-10-07. Review status: criteria provided, single submitter. Criteria: ACMG Guidelines, 2015. Collection method: clinical testing. Allele origin: germline.

Dubai Health Genomic Medicine Center, Dubai Health
Classification: Pathogenic for Stankiewicz-Isidor syndrome. Last evaluated: 2024-10-04. Review status: criteria provided, single submitter. Criteria: ACMG Guidelines, 2015. Collection method: research. Allele origin: germline. Affected: yes.
Comment: PVS1,PP1,PM2

GeneDx
Classification: Pathogenic. Last evaluated: 2024-03-22. Review status: criteria provided, single submitter. Criteria: GeneDx Variant Classification Process June 2021. Collection method: clinical testing. Allele origin: germline. Affected: yes.
Comment: Nonsense variant predicted to result in protein truncation or nonsense mediated decay in a gene for which loss of function is a known mechanism of disease; Not observed at significant frequency in large population cohorts (gnomAD); This variant is associated with the following publications: (PMID: 34374989, 28132691, 30421579)

Institute of Medical Genetics and Applied Genomics, University Hospital Tübingen
Classification: Pathogenic. Last evaluated: 2020-10-23. Review status: criteria provided, single submitter. Criteria: ACMG Guidelines, 2015. Collection method: clinical testing. Allele origin: germline. Inheritance: Autosomal dominant inheritance. Affected: yes.

OMIM
Classification: Pathogenic for STANKIEWICZ-ISIDOR SYNDROME. Last evaluated: 2017-06-08. Review status: no assertion criteria provided. Collection method: literature only. Allele origin: germline. Not counted in ClinVar's aggregate classification.

Literature cited by the submitters: PubMed 28132691 (cited by OMIM).

NM_002816.5(PSMD12):c.367C>T (p.Arg123Ter)

Gene: PSMD12 (proteasome 26S subunit, non-ATPase 12; minus strand). Cytogenetic location: 17q24.2.
Variant type: single nucleotide variant.
Coding change: c.367C>T on transcript NM_002816.5 (MANE Select); coding-DNA position 367, C replaced by T.
Protein change: p.Arg123Ter; replaces arginine 123 with a stop codon.
Molecular consequence: nonsense.
Genome position (GRCh38, 1-based): chr17:67,350,267, G>A on the plus strand (C>T on the coding strand, the complement: PSMD12 is on the minus strand). VCF-style: chr17-67350267-G-A. GRCh37 (hg19) VCF-style: chr17-65346383-G-A.
Other names: c.190C>T, p.Arg64Ter (NM_001316341.2); c.307C>T, p.Arg103Ter (NM_174871.4); short protein forms R123*, R64*, R103*.
Identifiers: ClinVar variation 427779 (VCV000427779.7), dbSNP rs1114167442, ClinGen allele CA400805478.